The following is an entry in ClinVar:

ClinVar aggregate classification (germline): Uncertain significance. Review status: criteria provided, multiple submitters, no conflicts (2 of 4 stars). 2 submissions from 2 submitters: Uncertain significance (2). Last evaluated 2026-08-27.

Conditions:
Hereditary cancer-predisposing syndrome. Also called: Hereditary Cancer Syndrome; Hereditary neoplastic syndrome; Neoplastic Syndromes, Hereditary; Tumor predisposition. Identifiers: Orphanet 140162, MedGen C0027672, MeSH D009386, MONDO:0015356.
Mitochondrial complex II deficiency, nuclear type 1. Also called: SUCCINATE CoQ REDUCTASE DEFICIENCY. Identifiers: Orphanet 3208, MedGen C5700310, MONDO:0100294, OMIM 252011.
Pheochromocytoma/paraganglioma syndrome 5. Also called: Paragangliomas 5; SDHA-Related Hereditary Paraganglioma-Pheochromocytoma Syndrome. Identifiers: Orphanet 29072, MedGen C3279992, MONDO:0013602, OMIM 614165.

Submissions (2):

Ambry Genetics
Classification: Uncertain significance for Hereditary cancer-predisposing syndrome. Last evaluated: 2026-08-27. Review status: criteria provided, single submitter. Criteria: Ambry Variant Classification Scheme 2023. Collection method: clinical testing. Allele origin: germline.
Comment: The p.D479G variant (also known as c.1436A>G), located in coding exon 11 of the SDHA gene, results from an A to G substitution at nucleotide position 1436. The aspartic acid at codon 479 is replaced by glycine, an amino acid with similar properties. This amino acid position is conserved. In addition, this alteration is predicted to be tolerated by in silico analysis. Based on the available evidence, the clinical significance of this variant remains unclear.

Labcorp Genetics (formerly Invitae), Labcorp
Classification: Uncertain significance for Pheochromocytoma/paraganglioma syndrome 5; Mitochondrial complex II deficiency, nuclear type 1. Last evaluated: 2023-03-09. Review status: criteria provided, single submitter. Criteria: Invitae Variant Classification Sherloc (09022015). Collection method: clinical testing. Allele origin: germline.
Comment: This variant is not present in population databases (gnomAD no frequency). This variant has not been reported in the literature in individuals affected with SDHA-related conditions. Advanced modeling of protein sequence and biophysical properties (such as structural, functional, and spatial information, amino acid conservation, physicochemical variation, residue mobility, and thermodynamic stability) performed at Invitae indicates that this missense variant is not expected to disrupt SDHA protein function. In summary, the available evidence is currently insufficient to determine the role of this variant in disease. Therefore, it has been classified as a Variant of Uncertain Significance. This sequence change replaces aspartic acid, which is acidic and polar, with glycine, which is neutral and non-polar, at codon 479 of the SDHA protein (p.Asp479Gly).

NM_004168.4(SDHA):c.1436A>G (p.Asp479Gly)

Gene: SDHA (succinate dehydrogenase complex flavoprotein subunit A; plus strand). Cytogenetic location: 5p15.33.
Variant type: single nucleotide variant.
Coding change: c.1436A>G on transcript NM_004168.4 (MANE Select); coding-DNA position 1436, A replaced by G.
Protein change: p.Asp479Gly; replaces aspartic acid 479 with glycine.
Molecular consequence: missense variant.
Genome position (GRCh38, 1-based): chr5:240,361, A>G. VCF-style: chr5-240361-A-G. GRCh37 (hg19) VCF-style: chr5-240476-A-G.
Other names: c.1292A>G, p.Asp431Gly (NM_001294332.2); c.1436A>G, p.Asp479Gly (NM_001330758.2); c.1436A>G (NM_004168.2); short protein forms D479G, D431G.
Identifiers: ClinVar variation 2943437 (VCV002943437.4), dbSNP rs2477397298, ClinGen allele CA359014161.
Genomic context (GRCh38, chr5:240,361, plus strand): 5'-CATTTGGTTTTTTAAAACGGTTTTCAAAAGTTAAATTCTAGCTTTTTTTTGTTTTAGGAG[A>G]TAAAGTCCCTCCAATTAAACCAAACGCTGGGGAAGAATCTGTCATGAATCTTGACAAATT-3'
Protein context (NP_004159.2, residues 469-489): LSIEESCRPG[Asp479Gly]KVPPIKPNAG